The following is an entry in ClinVar:

ClinVar aggregate classification (germline): Likely benign (0 of 4 stars; one submission).

Conditions:
RPS6KA3-related disorder. Also called: RPS6KA3-related condition.

Submission:

PreventionGenetics, part of Exact Sciences
Classification: Likely benign for RPS6KA3-related condition. Last evaluated: 2021-10-06. Review status: no assertion criteria provided. Collection method: clinical testing. Allele origin: germline.
Comment: This variant is classified as likely benign based on ACMG/AMP sequence variant interpretation guidelines (Richards et al. 2015 PMID: 25741868, with internal and published modifications).

NM_004586.3(RPS6KA3):c.264C>T (p.Ile88=)

Gene: RPS6KA3 (ribosomal protein S6 kinase A3; minus strand). Cytogenetic location: Xp22.12.
Variant type: single nucleotide variant.
Coding change: c.264C>T on transcript NM_004586.3 (MANE Select); coding-DNA position 264, C replaced by T.
Protein change: p.Ile88=; no amino-acid change (isoleucine 88 retained).
Molecular consequence: synonymous variant.
Genome position (GRCh38, 1-based): chrX:20,204,083, G>A on the plus strand (C>T on the coding strand, the complement: RPS6KA3 is on the minus strand). VCF-style: chrX-20204083-G-A. GRCh37 (hg19) VCF-style: chrX-20222201-G-A.
Identifiers: ClinVar variation 3354947 (VCV003354947.1).